The following is an entry in ClinVar:

NM_001122955.4(BSCL2):c.385delinsGGA (p.Pro129fs)

Genes: HNRNPUL2-BSCL2 (HNRNPUL2-BSCL2 readthrough (NMD candidate); minus strand), BSCL2 (BSCL2 lipid droplet biogenesis associated, seipin; minus strand). Cytogenetic location: 11q12.3.
Variant type: Indel.
Coding change: c.385delinsGGA on transcript NM_001122955.4 (MANE Select); coding-DNA position 385, C replaced by GGA.
Protein change: p.Pro129fs; shifts the reading frame from proline 129.
Molecular consequence: frameshift variant. On other transcripts: non-coding transcript variant (1).
Genome position (GRCh38, 1-based): chr11:62,705,320, G replaced by TCC on the plus strand (C replaced by GGA on the coding strand, the reverse complement: BSCL2 is on the minus strand). VCF-style: chr11-62705320-G-TCC. GRCh37 (hg19) VCF-style: chr11-62472792-G-TCC.
Other names: c.193delCinsGGA (NM_032667.6); c.193delinsGGA, p.Pro65fs (NM_001130702.2, NM_032667.6); c.385delinsGGA, p.Pro129fs (NM_001386027.1, NM_001386028.1); short protein forms P65fs, P129fs.
Identifiers: ClinVar variation 372116 (VCV000372116.6), dbSNP rs1057517659, ClinGen allele CA16042202.

ClinVar aggregate classification (germline): Likely pathogenic. Review status: criteria provided, single submitter (1 of 4 stars). 3 submissions from 3 submitters: Likely pathogenic (1). 2 of the submissions do not count toward it. Last evaluated 2025-11-20.

Conditions:
Congenital generalized lipodystrophy type 2 (CGL2). Also called: BERARDINELLI SYNDROME; BRUNZELL SYNDROME, BSCL2-RELATED; SEIP SYNDROME; Berardinelli-Seip Congenital Lipodystrophy Type 2. Identifiers: Orphanet 528, Orphanet 696289, MedGen C1720863, MONDO:0010020, OMIM 269700.
Berardinelli-Seip congenital lipodystrophy. Identifiers: Orphanet 528, MedGen CN262437, MONDO:0018883.

Submissions (3):

Dasa
Classification: Likely pathogenic. Last evaluated: 2025-11-20. Review status: criteria provided, single submitter. Criteria: DASA Assertion Criteria. Collection method: clinical testing. Allele origin: germline.
Comment: NM_001122955.4(BSCL2):c.385delinsGGA (p.Pro129Glyfs*28) is a frameshift variant in BSCL2 predicted to alter the reading frame and introduce a premature termination codon and is predicted to result in an absent or altered protein product. Loss of function is an established disease mechanism for BSCL2-associated disorders. Also, this variant is absent from population databases. Based on the currently available evidence, this variant is classified as likely pathogenic.

Inherited Neuropathy Consortium Ii, University Of Miami
Classification: Uncertain significance for Berardinelli-Seip congenital lipodystrophy. Last evaluated: 2016-01-06. Review status: no assertion criteria provided. Collection method: literature only. Allele origin: germline. Affected: yes. Not counted in ClinVar's aggregate classification.

GeneReviews
No classification provided. Condition: Congenital generalized lipodystrophy type 2. Review status: no classification provided. Collection method: literature only. Allele origin: germline. Affected: yes. Not counted in ClinVar's aggregate classification.

Literature cited by the submitters: PubMed 11479539 (cited by Inherited Neuropathy Consortium Ii, University Of Miami); NCBI Bookshelf NBK1212 (cited by GeneReviews).